The following is an entry in ClinVar:

ClinVar aggregate classification (germline): Pathogenic/Likely pathogenic. Review status: criteria provided, multiple submitters, no conflicts (2 of 4 stars). 2 submissions from 2 submitters: Pathogenic (1); Likely pathogenic (1). Last evaluated 2026-01-17.

Conditions:
SLC24A5-related disorder. Also called: SLC24A5-related condition.

Allele frequency attached by ClinVar (database versions not stated): gnomAD 0.00001; gnomAD exomes 0.00001.
gnomAD v4.1: 16 of 1,613,560 alleles (0.00099%); highest among the groups gnomAD compares: Non-Finnish European, 0.0013%; no homozygotes.

Submissions (2):

Labcorp Genetics (formerly Invitae), Labcorp
Classification: Pathogenic. Last evaluated: 2026-01-17. Review status: criteria provided, single submitter. Criteria: Invitae Variant Classification Sherloc (09022015). Collection method: clinical testing. Allele origin: germline.
Comment: This sequence change replaces alanine, which is neutral and non-polar, with glutamic acid, which is acidic and polar, at codon 115 of the SLC24A5 protein (p.Ala115Glu). This variant is present in population databases (no rsID available, gnomAD 0.003%). This missense change has been observed in individual(s) with oculocutaneous albinism (PMID: 23985994). In at least one individual the data is consistent with being in trans (on the opposite chromosome) from a pathogenic variant. ClinVar contains an entry for this variant (Variation ID: 2137668). Invitae Evidence Modeling of protein sequence and biophysical properties (such as structural, functional, and spatial information, amino acid conservation, physicochemical variation, residue mobility, and thermodynamic stability) indicates that this missense variant is expected to disrupt SLC24A5 protein function with a positive predictive value of 80%. Experimental studies have shown that this missense change affects SLC24A5 function (PMID: 32274888). For these reasons, this variant has been classified as Pathogenic.

PreventionGenetics, part of Exact Sciences
Classification: Likely pathogenic for SLC24A5-related condition. Last evaluated: 2025-05-08. Review status: criteria provided, single submitter. Criteria: ACMG Guidelines, 2015. Collection method: clinical testing. Allele origin: germline.
Comment: The SLC24A5 c.344C>A variant is predicted to result in the amino acid substitution p.Ala115Glu. This variant was reported in the compound heterozygous state in two individuals with oculocutaneous albinism (Morice-Picard et al. 2014. PubMed ID: 23985994). Functional studies in zebrafish indicated that this variant resulted in no difference in protein level or localization compared to wildtype, however this variant resulted in only partial rescue of pigmentation (Yousaf et al. 2020. PubMed ID: 32274888). This variant is reported in 0.0026% of alleles in individuals of European (Non-Finnish) descent in gnomAD. This variant is interpreted as likely pathogenic.

Literature cited by the submitters: PubMed 23985994 (cited by Labcorp Genetics (formerly Invitae), Labcorp); PubMed 32274888 (cited by Labcorp Genetics (formerly Invitae), Labcorp).

NM_205850.3(SLC24A5):c.344C>A (p.Ala115Glu)

Gene: SLC24A5 (solute carrier family 24 member 5; plus strand). Cytogenetic location: 15q21.1.
Variant type: single nucleotide variant.
Coding change: c.344C>A on transcript NM_205850.3 (MANE Select); coding-DNA position 344, C replaced by A.
Protein change: p.Ala115Glu; replaces alanine 115 with glutamic acid.
Molecular consequence: missense variant.
Genome position (GRCh38, 1-based): chr15:48,134,300, C>A. VCF-style: chr15-48134300-C-A. GRCh37 (hg19) VCF-style: chr15-48426497-C-A.
Other names: c.344C>A (NM_205850.2); short protein forms A115E.
Identifiers: ClinVar variation 2137668 (VCV002137668.5), dbSNP rs1359277013, ClinGen allele CA392449755.